The following is an entry in ClinVar:

ClinVar aggregate classification (germline): Pathogenic (1 of 4 stars; one submission).

Submission:

Labcorp Genetics (formerly Invitae), Labcorp
Classification: Pathogenic. Last evaluated: 2025-04-02. Review status: criteria provided, single submitter. Criteria: Invitae Variant Classification Sherloc (09022015). Collection method: clinical testing. Allele origin: germline.
Comment: This sequence change creates a premature translational stop signal (p.Val69Glnfs*9) in the PEX3 gene. It is expected to result in an absent or disrupted protein product. Loss-of-function variants in PEX3 are known to be pathogenic (PMID: 10942428, 21031596). This variant is not present in population databases (gnomAD no frequency). This variant has not been reported in the literature in individuals affected with PEX3-related conditions. ClinVar contains an entry for this variant (Variation ID: 1900608). For these reasons, this variant has been classified as Pathogenic.

Literature cited by the submitters: PubMed 10942428; PubMed 21031596.

NM_003630.3(PEX3):c.203_204dup (p.Val69fs)

Gene: PEX3 (peroxisomal biogenesis factor 3; plus strand). Cytogenetic location: 6q24.2.
Variant type: Duplication.
Coding change: c.203_204dup on transcript NM_003630.3 (MANE Select); coding-DNA positions 203 to 204, 2 bases duplicated (CA; older notation c.203_204dupCA).
Protein change: p.Val69fs; shifts the reading frame from valine 69.
Molecular consequence: frameshift variant.
Genome position (GRCh38, 1-based): chr6:143,459,214-143,459,215, CA duplicated; duplicating any 2 consecutive bases within chr6:143,459,213-143,459,215 gives the same sequence; the c. name uses the placement nearest the transcript's 3' end. VCF-style (leftmost placement, unchanged base first): chr6-143459212-G-GAC. GRCh37 (hg19) VCF-style: chr6-143780349-G-GAC.
Other names: short protein forms V69fs.
Identifiers: ClinVar variation 1900608 (VCV001900608.5), dbSNP rs2537182158, ClinGen allele CA2578758609.